The following is an entry in ClinVar:

ClinVar aggregate classification (germline): Uncertain significance (0 of 4 stars; one submission).

Conditions:
LRP4-related disorder. Also called: LRP4-related condition.

Submission:

PreventionGenetics, part of Exact Sciences
Classification: Uncertain significance for LRP4-related condition. Last evaluated: 2024-06-12. Review status: no assertion criteria provided. Collection method: clinical testing. Allele origin: germline.
Comment: The LRP4 c.1170_1171delinsAA variant is predicted to result in an in-frame deletion and insertion. To our knowledge, this variant has not been reported in the literature or in a large population database, indicating this variant is rare. At this time, the clinical significance of this variant is uncertain due to the absence of conclusive functional and genetic evidence.

NM_002334.4(LRP4):c.1170_1171delinsAA (p.His391Asn)

Gene: LRP4 (LDL receptor related protein 4; minus strand). Cytogenetic location: 11p11.2.
Variant type: Indel.
Coding change: c.1170_1171delinsAA on transcript NM_002334.4 (MANE Select); coding-DNA positions 1170 to 1171, GC replaced by AA.
Protein change: p.His391Asn; replaces histidine 391 with asparagine.
Molecular consequence: missense variant.
Genome position (GRCh38, 1-based): chr11:46,895,896-46,895,897, GC replaced by TT on the plus strand (GC replaced by AA on the coding strand, the reverse complement: LRP4 is on the minus strand). VCF-style: chr11-46895896-GC-TT. GRCh37 (hg19) VCF-style: chr11-46917447-GC-TT.
Other names: short protein forms H391N.
Identifiers: ClinVar variation 3345711 (VCV003345711.1).
Genomic context (GRCh38, chr11:46,895,896, plus strand): 5'-GCCCCTGCTCAGAACCCCGACTCTGCTGCAAACCAGGCCCCAGCTCACCTTGGCACGTGT[GC>TT]CCATCCTCTGTGAGCCGGTAGCCTGTGTGGCAGGTACACTGCACTGCCCCCCGCACCATC-3'
Protein context (NP_002325.2, residues 381-401): HTGYRLTEDG[His391Asn]TCQDVNECAE